The following is an entry in ClinVar:

NM_001267550.2(TTN):c.79640G>A (p.Arg26547Gln)

Genes: TTN-AS1 (TTN antisense RNA 1; plus strand), TTN (titin; minus strand). Cytogenetic location: 2q31.2.
Variant type: single nucleotide variant.
Coding change: c.79640G>A on transcript NM_001267550.2 (MANE Select); coding-DNA position 79640, G replaced by A.
Protein change: p.Arg26547Gln; replaces arginine 26547 with glutamine.
Molecular consequence: missense variant.
Genome position (GRCh38, 1-based): chr2:178,566,492, C>T on the plus strand (G>A on the coding strand, the complement: TTN is on the minus strand). VCF-style: chr2-178566492-C-T. GRCh37 (hg19) VCF-style: chr2-179431219-C-T.
Other names: p.R24906Q:CGA>CAA; c.74717G>A, p.Arg24906Gln (NM_001256850.1); c.52445G>A, p.Arg17482Gln (NM_003319.4); c.71936G>A, p.Arg23979Gln (NM_133378.4); c.52820G>A, p.Arg17607Gln (NM_133432.3); c.53021G>A, p.Arg17674Gln (NM_133437.4); short protein forms R24906Q, R26547Q, R23979Q, R17482Q, R17607Q, R17674Q.
Identifiers: ClinVar variation 202892 (VCV000202892.6), dbSNP rs771534555, ClinGen allele CA310608.

ClinVar aggregate classification (germline): Uncertain significance. Review status: criteria provided, multiple submitters, no conflicts (2 of 4 stars). 3 submissions from 3 submitters: Uncertain significance (2). 1 of the submissions does not count toward it. Last evaluated 2022-01-27.

Conditions:
Dilated cardiomyopathy 1G (CMD1G). Identifiers: Orphanet 154, MedGen C1858763, MONDO:0011400, OMIM 604145.
Autosomal recessive limb-girdle muscular dystrophy type 2J (LGMDR10). Also called: MUSCULAR DYSTROPHY, LIMB-GIRDLE, AUTOSOMAL RECESSIVE 10; Limb-girdle muscular dystrophy, type 2J. Identifiers: Orphanet 140922, MedGen C1837342, MONDO:0012127, OMIM 608807.

Allele frequency attached by ClinVar (database versions not stated): gnomAD 0.00001; ExAC 0.00002; gnomAD exomes 0.00002 and 0.00003; TOPMed 0.00002.
gnomAD v4.1: 42 of 1,613,308 alleles (0.0026%); highest among the groups gnomAD compares: African/African-American, 0.0067%; no homozygotes.

Submissions (3):

Revvity Omics, Revvity
Classification: Uncertain significance. Last evaluated: 2022-01-27. Review status: criteria provided, single submitter. Criteria: ACMG Guidelines, 2015. Collection method: clinical testing. Allele origin: germline.

Labcorp Genetics (formerly Invitae), Labcorp
Classification: Uncertain significance for Dilated cardiomyopathy 1G; Autosomal recessive limb-girdle muscular dystrophy type 2J. Last evaluated: 2016-07-31. Review status: criteria provided, single submitter. Criteria: Invitae Variant Classification Sherloc (09022015). Collection method: clinical testing. Allele origin: germline.

GeneDx
No classification provided. Last evaluated: 2014-09-09. Review status: no classification provided. Criteria: GeneDx Variant Classification (06012015). Collection method: clinical testing. Allele origin: germline. Affected: yes. Not counted in ClinVar's aggregate classification.
Comment: Missense variants in the TTN gene are considered 'unclassified' if they are not previously reported in the literature and do not have >1% frequency in the population to be considered a polymorphism. Research indicates that truncating mutations in the TTN gene are expected to account for approximately 25% of familial and 18% of sporadic idiopathic DCM; however, truncating variants in the TTN gene have been reported in approximately 3% of reported control alleles. There has been little investigation into non-truncating variants. (Herman D et al. Truncations of titin causing dilated cardiomyopathy. N Eng J Med 366:619-628, 2012) The variant is found in DCM-CRDM panel(s).